The following is an entry in ClinVar:

NM_017934.7(PHIP):c.1436C>T (p.Pro479Leu)

Gene: PHIP (PHIP subunit of CUL4-Ring ligase complex; minus strand). Cytogenetic location: 6q14.1.
Variant type: single nucleotide variant.
Coding change: c.1436C>T on transcript NM_017934.7 (MANE Select); coding-DNA position 1436, C replaced by T.
Protein change: p.Pro479Leu; replaces proline 479 with leucine.
Molecular consequence: missense variant.
Genome position (GRCh38, 1-based): chr6:79,015,170, G>A on the plus strand (C>T on the coding strand, the complement: PHIP is on the minus strand). VCF-style: chr6-79015170-G-A. GRCh37 (hg19) VCF-style: chr6-79724887-G-A.
Other names: short protein forms P479L.
Identifiers: ClinVar variation 4057184 (VCV004057184.2).

ClinVar aggregate classification (germline): Uncertain significance (1 of 4 stars; one submission).

gnomAD v4.1: 1 of 1,610,706 alleles (0.000062%); no homozygotes.

Submission:

GeneDx
Classification: Uncertain significance. Last evaluated: 2025-08-15. Review status: criteria provided, single submitter. Criteria: GeneDx Variant Classification Process June 2021. Collection method: clinical testing. Allele origin: germline.
Comment: Not observed at significant frequency in large population cohorts (gnomAD); In silico analysis supports that this missense variant has a deleterious effect on protein structure/function; Has not been previously published as pathogenic or benign to our knowledge